The following is an entry in ClinVar:

ClinVar aggregate classification (germline): Uncertain significance (1 of 4 stars; one submission).

Conditions:
Autosomal dominant nonsyndromic hearing loss 20. Identifiers: Orphanet 90635, MedGen C1858172, MONDO:0011480, OMIM 604717.
Baraitser-winter syndrome 2. Identifiers: Orphanet 2995, MedGen C3281235, MONDO:0013812, OMIM 614583.

Allele frequency attached by ClinVar (database versions not stated): gnomAD 0.00001.
gnomAD v4.1: 1 of 1,613,894 alleles (0.000062%); highest among the groups gnomAD compares: African/African-American, 0.0013%; no homozygotes.

Submission:

Labcorp Genetics (formerly Invitae), Labcorp
Classification: Uncertain significance for Baraitser-winter syndrome 2; Autosomal dominant nonsyndromic hearing loss 20. Last evaluated: 2023-05-01. Review status: criteria provided, single submitter. Criteria: Invitae Variant Classification Sherloc (09022015). Collection method: clinical testing. Allele origin: germline.
Comment: In summary, the available evidence is currently insufficient to determine the role of this variant in disease. Therefore, it has been classified as a Variant of Uncertain Significance. Experimental studies have shown that this missense change does not substantially affect ACTG1 function (PMID: 32341388). Advanced modeling of protein sequence and biophysical properties (such as structural, functional, and spatial information, amino acid conservation, physicochemical variation, residue mobility, and thermodynamic stability) performed at Invitae indicates that this missense variant is expected to disrupt ACTG1 protein function. This missense change has been observed in individual(s) with non-sndromic deafness (PMID: 32341388). This variant is not present in population databases (gnomAD no frequency). This sequence change replaces histidine, which is basic and polar, with tyrosine, which is neutral and polar, at codon 275 of the ACTG1 protein (p.His275Tyr).

Literature cited by the submitters: PubMed 32341388.

NM_001614.5(ACTG1):c.823C>T (p.His275Tyr)

Gene: ACTG1 (actin gamma 1; minus strand). Cytogenetic location: 17q25.3.
Variant type: single nucleotide variant.
Coding change: c.823C>T on transcript NM_001614.5 (MANE Select); coding-DNA position 823, C replaced by T.
Protein change: p.His275Tyr; replaces histidine 275 with tyrosine.
Molecular consequence: missense variant. On other transcripts: non-coding transcript variant (1).
Genome position (GRCh38, 1-based): chr17:81,511,088, G>A on the plus strand (C>T on the coding strand, the complement: ACTG1 is on the minus strand). VCF-style: chr17-81511088-G-A. GRCh37 (hg19) VCF-style: chr17-79478114-G-A.
Other names: c.823C>T, p.His275Tyr (NM_001199954.3); short protein forms H275Y.
Identifiers: ClinVar variation 2941209 (VCV002941209.3), dbSNP rs2031736094, ClinGen allele CA401459447.